The following is an entry in ClinVar:

NM_007294.4(BRCA1):c.5153-7T>A

Gene: BRCA1 (BRCA1 DNA repair associated; minus strand). Cytogenetic location: 17q21.31.
Variant type: single nucleotide variant.
Coding change: c.5153-7T>A on transcript NM_007294.4 (MANE Select); 7 bases into the intron before coding-DNA position 5153, T replaced by A.
Molecular consequence: intron variant.
Genome position (GRCh38, 1-based): chr17:43,063,380, A>T on the plus strand (T>A on the coding strand, the complement: BRCA1 is on the minus strand). VCF-style: chr17-43063380-A-T. GRCh37 (hg19) VCF-style: chr17-41215397-A-T.
Other names: c.1700-7T>A (NM_001408458.1, NM_001408461.1, NM_001408464.1 and 7 more transcripts); c.4262-7T>A (NM_001407967.1); c.4772-7T>A (NM_001407959.1); c.4886-7T>A (NM_001407931.1, NM_001407932.1, NM_001407928.1 and 4 more transcripts); c.5009-7T>A (NM_001407747.1, NM_001407745.1, NM_001407737.1 and 21 more transcripts); c.4769-7T>A (NM_001407962.1, NM_001407960.1); c.1340-7T>A (NM_001408512.1); c.1463-7T>A (NM_001408510.1); and 72 more.
Identifiers: ClinVar variation 867423 (VCV000867423.3), dbSNP rs2051874134, ClinGen allele CA916080054.

Conditions:
Breast-ovarian cancer, familial, susceptibility to, 1 (BROVCA1). Also called: BRCA1 Hereditary Breast and Ovarian Cancer; OVARIAN CANCER, SUSCEPTIBILITY TO. Identifiers: Orphanet 145, MedGen C2676676, MONDO:0011450, OMIM 604370. Disease mechanism: loss of function.

Submission:

Brotman Baty Institute, University of Washington
No classification provided (evidence only). Condition: Breast-ovarian cancer, familial 1. Review status: no classification provided. Collection method: in vitro. Allele origin: not applicable. Functional consequence: functionally_normal.
ClinVar note: "not provided" was previously submitted as the classification for the variant. However, the classification appeared to be based only on an observation of functional data so it was converted to no classification on 2025-07-30.